The following is an entry in ClinVar:

ClinVar aggregate classification (germline): Benign. Review status: criteria provided, multiple submitters, no conflicts (2 of 4 stars). 4 submissions from 4 submitters: Benign (3). 1 of the submissions does not count toward it. Last evaluated 2021-05-04.

Conditions:
DNAH17-related disorder. Also called: DNAH17-related condition.

Allele frequency attached by ClinVar (database versions not stated): gnomAD exomes 0.22246 and 0.23965; ExAC 0.22338; 1000 Genomes Project 0.14696; 1000 Genomes Project 30x 0.14710; TOPMed 0.18794; gnomAD 0.19095 and 0.19130; ESP Exome Variant Server 0.19461.
gnomAD v4.1: 378,989 of 1,613,036 alleles (23%); highest among the groups gnomAD compares: Middle Eastern, 30%; 47,292 homozygotes.

Submissions (4):

GeneDx
Classification: Benign. Last evaluated: 2021-05-04. Review status: criteria provided, single submitter. Criteria: GeneDx Variant Classification Process June 2021. Collection method: clinical testing. Allele origin: germline. Affected: yes.

Laboratory for Molecular Medicine, Mass General Brigham Personalized Medicine
Classification: Benign. Last evaluated: 2016-03-29. Review status: criteria provided, single submitter. Criteria: LMM Criteria. Collection method: clinical testing. Allele origin: germline.
Comment: Variant identified in a genome or exome case(s) and assessed due to predicted null impact of the variant or pathogenic assertions in the literature or databases. Disclaimer: This variant has not undergone full assessment. The following are preliminary notes: Frequency

Breakthrough Genomics
Classification: Benign. Review status: criteria provided, single submitter. Criteria: ACMG Guidelines, 2015. Collection method: not provided. Allele origin: germline. Inheritance: Autosomal recessive inheritance. Affected: yes.

PreventionGenetics, part of Exact Sciences
Classification: Benign for DNAH17-related condition. Last evaluated: 2019-10-29. Review status: no assertion criteria provided. Collection method: clinical testing. Allele origin: germline. Not counted in ClinVar's aggregate classification.
Comment: This variant is classified as benign based on ACMG/AMP sequence variant interpretation guidelines (Richards et al. 2015 PMID: 25741868, with internal and published modifications).

NM_173628.4(DNAH17):c.3834A>G (p.Leu1278=)

Gene: DNAH17 (dynein axonemal heavy chain 17; minus strand). Cytogenetic location: 17q25.3.
Variant type: single nucleotide variant.
Coding change: c.3834A>G on transcript NM_173628.4 (MANE Select); coding-DNA position 3834, A replaced by G.
Protein change: p.Leu1278=; no amino-acid change (leucine 1278 retained).
Molecular consequence: synonymous variant.
Genome position (GRCh38, 1-based): chr17:78,525,039, T>C on the plus strand (A>G on the coding strand, the complement: DNAH17 is on the minus strand). VCF-style: chr17-78525039-T-C. GRCh37 (hg19) VCF-style: chr17-76521121-T-C.
Identifiers: ClinVar variation 402692 (VCV000402692.9), dbSNP rs17729253, ClinGen allele CA8804022.
Genomic context (GRCh38, chr17:78,525,039, plus strand): 5'-CCCCACCCACGCGGCGTGCCCTGCACTCACCACAACAACCATGTCCCAGAGCTCCTTCAG[T>C]AGGCGGACCTCCCGGTGGCAGGCCTTGAGCTGCTTGTAGTCTGGGACGGGGACCTCGAAC-3'
Protein context (NP_775899.3, residues 1268-1288): QLKACHREVR[Leu1278=]LKELWDMVVV